The following is an entry in ClinVar:

ClinVar aggregate classification (germline): Likely benign. Review status: criteria provided, multiple submitters, no conflicts (2 of 4 stars). 3 submissions from 3 submitters: Likely benign (3). Last evaluated 2023-06-08.

Conditions:
Hereditary cancer-predisposing syndrome. Also called: Tumor predisposition; Hereditary Cancer Syndrome; Hereditary neoplastic syndrome; Neoplastic Syndromes, Hereditary. Identifiers: Orphanet 140162, MedGen C0027672, MeSH D009386, MONDO:0015356.
Neurofibromatosis, type 2 (SWNV). Also called: SCHWANNOMATOSIS, VESTIBULAR; BILATERAL ACOUSTIC NEUROFIBROMATOSIS; NF2-Related Schwannomatosis. Identifiers: Orphanet 637, MedGen C0027832, MONDO:0007039, OMIM 101000. Disease mechanism: loss of function.

Allele frequency attached by ClinVar (database versions not stated): gnomAD exomes below 0.00001.
gnomAD v4.1: 1 of 1,614,098 alleles (0.000062%); highest among the groups gnomAD compares: Non-Finnish European, 0.000085%; no homozygotes.

Submissions (3):

All of Us Research Program, National Institutes of Health
Classification: Likely benign for Neurofibromatosis, type 2. Last evaluated: 2023-06-08. Review status: criteria provided, single submitter. Criteria: ACMG Guidelines, 2015. Collection method: clinical testing. Allele origin: germline. Inheritance: Autosomal dominant inheritance. Observed: 1 variant allele, 1 heterozygote.
Comment: This study involves interpretation of variants in research participants for the purpose of population health screening. Participant phenotype was not available at the time of variant classification. Additional details can be found in publication PMID: 35346344, PMCID: PMC8962531

Ambry Genetics
Classification: Likely benign for Hereditary cancer-predisposing syndrome. Last evaluated: 2022-04-05. Review status: criteria provided, single submitter. Criteria: Ambry Variant Classification Scheme 2023. Collection method: clinical testing. Allele origin: germline.

Labcorp Genetics (formerly Invitae), Labcorp
Classification: Likely benign for Neurofibromatosis, type 2. Last evaluated: 2022-02-18. Review status: criteria provided, single submitter. Criteria: Invitae Variant Classification Sherloc (09022015). Collection method: clinical testing. Allele origin: germline.

NM_000268.4(NF2):c.420C>A (p.Leu140=)

Gene: NF2 (NF2, moesin-ezrin-radixin like (MERLIN) tumor suppressor; plus strand). Cytogenetic location: 22q12.2.
Variant type: single nucleotide variant.
Coding change: c.420C>A on transcript NM_000268.4 (MANE Select); coding-DNA position 420, C replaced by A.
Protein change: p.Leu140=; no amino-acid change (leucine 140 retained).
Molecular consequence: synonymous variant. On other transcripts: non-coding transcript variant (1).
Genome position (GRCh38, 1-based): chr22:29,642,258, C>A. VCF-style: chr22-29642258-C-A. GRCh37 (hg19) VCF-style: chr22-30038247-C-A.
Other names: c.420C>A, p.Leu140= (NM_016418.5, NM_181825.3, NM_181832.3 and 1 more transcripts); c.294C>A, p.Leu98= (NM_181828.3); c.297C>A, p.Leu99= (NM_181829.3); c.171C>A, p.Leu57= (NM_181830.3, NM_181831.3).
Identifiers: ClinVar variation 1612872 (VCV001612872.11), dbSNP rs2146894238, ClinGen allele CA514192369.